The following is an entry in ClinVar:

ClinVar aggregate classification (germline): Uncertain significance (1 of 4 stars; one submission).

Conditions:
Brown-Vialetto-van Laere syndrome 1. Also called: BROWN-VIALETTO-VAN LAERE SYNDROME 1, MILD; BULBAR PALSY, PROGRESSIVE, WITH SENSORINEURAL DEAFNESS; PONTOBULBAR PALSY WITH DEAFNESS. Identifiers: Orphanet 572550, Orphanet 97229, MedGen C0796274, MONDO:0024537, OMIM 211530.

gnomAD v4.1: 2 of 1,614,066 alleles (0.00012%); highest among the groups gnomAD compares: Admixed American, 0.0033%; no homozygotes.

Submission:

Labcorp Genetics (formerly Invitae), Labcorp
Classification: Uncertain significance for Brown-Vialetto-van Laere syndrome 1. Last evaluated: 2020-12-02. Review status: criteria provided, single submitter. Criteria: Invitae Variant Classification Sherloc (09022015). Collection method: clinical testing. Allele origin: germline.
Comment: This sequence change replaces valine with leucine at codon 155 of the SLC52A3 protein (p.Val155Leu). The valine residue is moderately conserved and there is a small physicochemical difference between valine and leucine. This variant is not present in population databases (ExAC no frequency). In summary, the available evidence is currently insufficient to determine the role of this variant in disease. Therefore, it has been classified as a Variant of Uncertain Significance. Algorithms developed to predict the effect of missense changes on protein structure and function output the following: SIFT: "Tolerated"; PolyPhen-2: "Benign"; Align-GVGD: "Class C0". The leucine amino acid residue is found in multiple mammalian species, suggesting that this missense change does not adversely affect protein function. These predictions have not been confirmed by published functional studies and their clinical significance is uncertain. This variant has not been reported in the literature in individuals with SLC52A3-related conditions.

NM_033409.4(SLC52A3):c.463G>T (p.Val155Leu)

Gene: SLC52A3 (solute carrier family 52 member 3; minus strand). Cytogenetic location: 20p13.
Variant type: single nucleotide variant.
Coding change: c.463G>T on transcript NM_033409.4 (MANE Select); coding-DNA position 463, G replaced by T.
Protein change: p.Val155Leu; replaces valine 155 with leucine.
Molecular consequence: missense variant.
Genome position (GRCh38, 1-based): chr20:765,312, C>A on the plus strand (G>T on the coding strand, the complement: SLC52A3 is on the minus strand). VCF-style: chr20-765312-C-A. GRCh37 (hg19) VCF-style: chr20-745956-C-A.
Other names: c.463G>T, p.Val155Leu (NM_001370085.1, NM_001370086.1); short protein forms V155L.
Identifiers: ClinVar variation 1490357 (VCV001490357.8), dbSNP rs1236849359, ClinGen allele CA407963784.